The following is an entry in ClinVar:

ClinVar aggregate classification (germline): Pathogenic. Review status: criteria provided, multiple submitters, no conflicts (2 of 4 stars). 4 submissions from 4 submitters: Pathogenic (4). Last evaluated 2024-05-29.

Conditions:
ADAMTS13-related disorder. Also called: ADAMTS13-related condition.
Upshaw-Schulman syndrome (TTP). Also called: THROMBOTIC THROMBOCYTOPENIC PURPURA, HEREDITARY; Congenital thrombotic thrombocytopenic purpura. Identifiers: Orphanet 93583, MedGen C1268935, MONDO:0010122, OMIM 274150.

Allele frequency attached by ClinVar (database versions not stated): gnomAD 0.00001; gnomAD exomes 0.00001; TOPMed 0.00001; ExAC 0.00002.

Submissions (4):

Fulgent Genetics
Classification: Pathogenic for Upshaw-Schulman syndrome. Last evaluated: 2024-05-29. Review status: criteria provided, single submitter. Criteria: ACMG Guidelines, 2015. Collection method: clinical testing. Allele origin: germline.

Mayo Clinic Laboratories, Mayo Clinic
Classification: Pathogenic. Last evaluated: 2023-11-14. Review status: criteria provided, single submitter. Criteria: ACMG Guidelines, 2015. Collection method: clinical testing. Allele origin: germline. Observed: 1 variant allele.
Comment: PM2_moderate, PM3_supporting, PVS1

PreventionGenetics, part of Exact Sciences
Classification: Pathogenic for ADAMTS13-related condition. Last evaluated: 2023-07-21. Review status: criteria provided, single submitter. Criteria: ACMG Guidelines, 2015. Collection method: clinical testing. Allele origin: germline.
Comment: The ADAMTS13 c.1456_1457delAT variant is predicted to result in a frameshift and premature protein termination (p.Met486Valfs*47). This variant was reported, along with a second missense variant, in two individuals with thrombotic thrombocytopaenic purpura (Scully et al. 2014. PubMed ID: 24859360, supplementary data). This variant is reported in 0.0085% of alleles in individuals of Latino descent in gnomAD. Frameshift variants in ADAMTS13 are expected to be pathogenic. This variant is interpreted as pathogenic.

Labcorp Genetics (formerly Invitae), Labcorp
Classification: Pathogenic. Last evaluated: 2022-10-29. Review status: criteria provided, single submitter. Criteria: Invitae Variant Classification Sherloc (09022015). Collection method: clinical testing. Allele origin: germline.
Comment: This sequence change creates a premature translational stop signal (p.Met486Valfs*47) in the ADAMTS13 gene. It is expected to result in an absent or disrupted protein product. Loss-of-function variants in ADAMTS13 are known to be pathogenic (PMID: 11586351, 12753286, 21781265). This variant is present in population databases (rs782242503, gnomAD 0.009%). This premature translational stop signal has been observed in individual(s) with congenital thrombotic thrombocytopenic purpura (PMID: 24859360, 30792199). For these reasons, this variant has been classified as Pathogenic.

Literature cited by the submitters: PubMed 24859360 (cited by Mayo Clinic Laboratories, Mayo Clinic and Labcorp Genetics (formerly Invitae), Labcorp); PubMed 30792199 (cited by Mayo Clinic Laboratories, Mayo Clinic and Labcorp Genetics (formerly Invitae), Labcorp); PubMed 34789164 (cited by Mayo Clinic Laboratories, Mayo Clinic); PubMed 11586351 (cited by Labcorp Genetics (formerly Invitae), Labcorp); PubMed 12753286 (cited by Labcorp Genetics (formerly Invitae), Labcorp); PubMed 21781265 (cited by Labcorp Genetics (formerly Invitae), Labcorp).

NM_139027.6(ADAMTS13):c.1456_1457del (p.Met486fs)

Gene: ADAMTS13 (ADAM metallopeptidase with thrombospondin type 1 motif 13; plus strand). Cytogenetic location: 9q34.2.
Variant type: Deletion.
Coding change: c.1456_1457del on transcript NM_139027.6 (MANE Select); coding-DNA positions 1456 to 1457, 2 bases deleted (AT; older notation c.1456_1457delAT).
Protein change: p.Met486fs; shifts the reading frame from methionine 486.
Molecular consequence: frameshift variant.
Genome position (GRCh38, 1-based): chr9:133,437,769-133,437,770, AT deleted. VCF-style (leftmost placement, unchanged base first): chr9-133437768-CAT-C. GRCh37 (hg19) VCF-style: chr9-136302888-CAT-C.
Other names: p.Met486Valfs*47; c.1456_1457delAT, p.Met486Valfs (NM_139025.4); c.1456_1457del, p.Met486fs (NM_139025.5); c.1363_1364del, p.Met455fs (NM_139026.6); c.1456_1457del (NM_139025.4); short protein forms M455fs, M486fs.
Identifiers: ClinVar variation 2636095 (VCV002636095.6), dbSNP rs782242503, ClinGen allele CA200930249.